The following is an entry in ClinVar:

ClinVar aggregate classification (germline): Uncertain significance. Review status: criteria provided, multiple submitters, no conflicts (2 of 4 stars). 2 submissions from 2 submitters: Uncertain significance (2). Last evaluated 2024-11-18.

Allele frequency attached by ClinVar (database versions not stated): gnomAD 0.00001; gnomAD exomes 0.00001; TOPMed 0.00002; ExAC 0.00003.
gnomAD v4.1: 9 of 1,613,294 alleles (0.00056%); highest among the groups gnomAD compares: Admixed American, 0.012%; no homozygotes.

Submissions (2):

Labcorp Genetics (formerly Invitae), Labcorp
Classification: Uncertain significance. Last evaluated: 2024-11-18. Review status: criteria provided, single submitter. Criteria: Invitae Variant Classification Sherloc (09022015). Collection method: clinical testing. Allele origin: germline.
Comment: This sequence change replaces glycine, which is neutral and non-polar, with alanine, which is neutral and non-polar, at codon 3368 of the HMCN1 protein (p.Gly3368Ala). This variant is present in population databases (rs749993455, gnomAD 0.01%). This variant has not been reported in the literature in individuals affected with HMCN1-related conditions. ClinVar contains an entry for this variant (Variation ID: 1991332). An algorithm developed to predict the effect of missense changes on protein structure and function (PolyPhen-2) suggests that this variant is likely to be disruptive. In summary, the available evidence is currently insufficient to determine the role of this variant in disease. Therefore, it has been classified as a Variant of Uncertain Significance.

Ambry Genetics
Classification: Uncertain significance. Last evaluated: 2024-10-09. Review status: criteria provided, single submitter. Criteria: Ambry Variant Classification Scheme 2023. Collection method: clinical testing. Allele origin: germline.

NM_031935.3(HMCN1):c.10103G>C (p.Gly3368Ala)

Gene: HMCN1 (hemicentin 1; plus strand). Cytogenetic location: 1q31.1.
Variant type: single nucleotide variant.
Coding change: c.10103G>C on transcript NM_031935.3 (MANE Select); coding-DNA position 10103, G replaced by C.
Protein change: p.Gly3368Ala; replaces glycine 3368 with alanine.
Molecular consequence: missense variant.
Genome position (GRCh38, 1-based): chr1:186,093,576, G>C. VCF-style: chr1-186093576-G-C. GRCh37 (hg19) VCF-style: chr1-186062708-G-C.
Other names: c.10103G>C (NM_031935.2); short protein forms G3368A.
Identifiers: ClinVar variation 1991332 (VCV001991332.5), dbSNP rs749993455, ClinGen allele CA1293640.
Genomic context (GRCh38, chr1:186,093,576, plus strand): 5'-AAGCAGAGAAACTAATGACTTTAGTGGATACTTCAATAAATATTGAATGCAGAGCCACAG[G>C]GACGCCTCCACCACAGATAAACTGGCTGAAGAATGGACTTCCTCTGCCTCTCTCCTCCCA-3'
Protein context (NP_114141.2, residues 3358-3378): TSINIECRAT[Gly3368Ala]TPPPQINWLK